The following is an entry in ClinVar:

NM_000321.3(RB1):c.259G>A (p.Val87Ile)

Gene: RB1 (RB transcriptional corepressor 1; plus strand). Cytogenetic location: 13q14.2.
Variant type: single nucleotide variant.
Coding change: c.259G>A on transcript NM_000321.3 (MANE Select); coding-DNA position 259, G replaced by A.
Protein change: p.Val87Ile; replaces valine 87 with isoleucine.
Molecular consequence: missense variant.
Genome position (GRCh38, 1-based): chr13:48,307,401, G>A. VCF-style: chr13-48307401-G-A. GRCh37 (hg19) VCF-style: chr13-48881537-G-A.
Other names: c.259G>A, p.Val87Ile (NM_001407165.1, NM_001407166.1, NM_001407167.1); short protein forms V87I.
Identifiers: ClinVar variation 2040265 (VCV002040265.6), dbSNP rs543611480, ClinGen allele CA036273.

ClinVar aggregate classification (germline): Conflicting classifications of pathogenicity. Review status: criteria provided, conflicting classifications (1 of 4 stars). 3 submissions from 3 submitters: Uncertain significance (2); Benign (1). Last evaluated 2025-11-26.

Conditions:
Retinoblastoma (RB1). Also called: RETINOBLASTOMA, SOMATIC. Identifiers: Orphanet 790, MedGen C0035335, MeSH D012175, MONDO:0008380, OMIM 180200, HP:0009919. Disease mechanism: loss of function. Inheritance: Both sporadic and heritable forms are tested..
Hereditary cancer-predisposing syndrome. Also called: Neoplastic Syndromes, Hereditary; Hereditary Cancer Syndrome; Tumor predisposition; Hereditary neoplastic syndrome. Identifiers: Orphanet 140162, MedGen C0027672, MeSH D009386, MONDO:0015356.

Allele frequency attached by ClinVar (database versions not stated): gnomAD 0.00001; gnomAD exomes 0.00001; ExAC 0.00003; 1000 Genomes Project 0.00020; 1000 Genomes Project 30x 0.00031.
gnomAD v4.1: 8 of 1,613,158 alleles (0.0005%); highest among the groups gnomAD compares: Admixed American, 0.012%; no homozygotes.

Submissions (3):

Labcorp Genetics (formerly Invitae), Labcorp
Classification: Uncertain significance for Retinoblastoma. Last evaluated: 2025-11-26. Review status: criteria provided, single submitter. Criteria: Invitae Variant Classification Sherloc (09022015). Collection method: clinical testing. Allele origin: germline.
Comment: This sequence change replaces valine, which is neutral and non-polar, with isoleucine, which is neutral and non-polar, at codon 87 of the RB1 protein (p.Val87Ile). This variant is present in population databases (rs543611480, gnomAD 0.02%). This variant has not been reported in the literature in individuals affected with RB1-related conditions. ClinVar contains an entry for this variant (Variation ID: 2040265). Invitae Evidence Modeling of protein sequence and biophysical properties (such as structural, functional, and spatial information, amino acid conservation, physicochemical variation, residue mobility, and thermodynamic stability) indicates that this missense variant is not expected to disrupt RB1 protein function with a negative predictive value of 80%. In summary, the available evidence is currently insufficient to determine the role of this variant in disease. Therefore, it has been classified as a Variant of Uncertain Significance.

Ambry Genetics
Classification: Benign for Hereditary cancer-predisposing syndrome. Last evaluated: 2024-03-29. Review status: criteria provided, single submitter. Criteria: Ambry Variant Classification Scheme 2023. Collection method: clinical testing. Allele origin: germline.

GeneDx
Classification: Uncertain significance. Last evaluated: 2023-12-28. Review status: criteria provided, single submitter. Criteria: GeneDx Variant Classification Process June 2021. Collection method: clinical testing. Allele origin: germline. Affected: yes.
Comment: In silico analysis supports that this missense variant does not alter protein structure/function; Has not been previously published as pathogenic or benign to our knowledge; This variant is associated with the following publications: (PMID: 23516486)